The following is an entry in ClinVar:

ClinVar aggregate classification (germline): Uncertain significance. Review status: criteria provided, multiple submitters, no conflicts (2 of 4 stars). 2 submissions from 2 submitters: Uncertain significance (2). Last evaluated 2025-11-13.

Conditions:
Inborn genetic diseases. Identifiers: MedGen C0950123, MeSH D030342.

Allele frequency attached by ClinVar (database versions not stated): TOPMed 0.00001; ExAC 0.00005.
gnomAD v4.1: 28 of 1,613,994 alleles (0.0017%); highest among the groups gnomAD compares: South Asian, 0.0099%; no homozygotes.

Submissions (2):

Ambry Genetics
Classification: Uncertain significance for Inborn genetic diseases. Last evaluated: 2025-11-13. Review status: criteria provided, single submitter. Criteria: Ambry Variant Classification Scheme 2023. Collection method: clinical testing. Allele origin: germline.

Labcorp Genetics (formerly Invitae), Labcorp
Classification: Uncertain significance. Last evaluated: 2022-11-15. Review status: criteria provided, single submitter. Criteria: Invitae Variant Classification Sherloc (09022015). Collection method: clinical testing. Allele origin: germline.
Comment: This sequence change replaces phenylalanine, which is neutral and non-polar, with leucine, which is neutral and non-polar, at codon 3106 of the FAT1 protein (p.Phe3106Leu). This variant is present in population databases (rs768289698, gnomAD 0.01%). This variant has not been reported in the literature in individuals affected with FAT1-related conditions. Advanced modeling of protein sequence and biophysical properties (such as structural, functional, and spatial information, amino acid conservation, physicochemical variation, residue mobility, and thermodynamic stability) performed at Invitae indicates that this missense variant is not expected to disrupt FAT1 protein function. In summary, the available evidence is currently insufficient to determine the role of this variant in disease. Therefore, it has been classified as a Variant of Uncertain Significance.

NM_005245.4(FAT1):c.9318C>G (p.Phe3106Leu)

Gene: FAT1 (FAT atypical cadherin 1; minus strand). Cytogenetic location: 4q35.2.
Variant type: single nucleotide variant.
Coding change: c.9318C>G on transcript NM_005245.4 (MANE Select); coding-DNA position 9318, C replaced by G.
Protein change: p.Phe3106Leu; replaces phenylalanine 3106 with leucine.
Molecular consequence: missense variant.
Genome position (GRCh38, 1-based): chr4:186,613,254, G>C on the plus strand (C>G on the coding strand, the complement: FAT1 is on the minus strand). VCF-style: chr4-186613254-G-C. GRCh37 (hg19) VCF-style: chr4-187534408-G-C.
Other names: c.9318C>G (NM_005245.3); short protein forms F3106L.
Identifiers: ClinVar variation 1920550 (VCV001920550.6), dbSNP rs768289698, ClinGen allele CA3165662.
Genomic context (GRCh38, chr4:186,613,254, plus strand): 5'-AGAGAATTCGGGGGCGTTATCGTTCACATCTTCTAGCGTGAGCACAATACTGGCTTGGCA[G>C]AATCTTCCTCCTCCATCTGTGGCCCTGACGAGAAGATGATAAACAGCTTGCTCCTCACGA-3'
Protein context (NP_005236.2, residues 3096-3116): LVRATDGGGR[Phe3106Leu]CQASIVLTLE